The following is an entry in ClinVar:

NM_024656.4(COLGALT1):c.135G>A (p.Pro45=)

Gene: COLGALT1 (collagen beta(1-O)galactosyltransferase 1; plus strand). Cytogenetic location: 19p13.11.
Variant type: single nucleotide variant.
Coding change: c.135G>A on transcript NM_024656.4 (MANE Select); coding-DNA position 135, G replaced by A.
Protein change: p.Pro45=; no amino-acid change (proline 45 retained).
Molecular consequence: synonymous variant.
Genome position (GRCh38, 1-based): chr19:17,555,848, G>A. VCF-style: chr19-17555848-G-A. GRCh37 (hg19) VCF-style: chr19-17666657-G-A.
Other names: c.135G>A (NM_024656.3).
Identifiers: ClinVar variation 1971756 (VCV001971756.8), dbSNP rs754091915, ClinGen allele CA9296844.
Genomic context (GRCh38, chr19:17,555,848, plus strand): 5'-ACTGCCGCCGGGGGCCCCGCCGGGCGCCGACGCCTACTTCCCCGAGGAGCGCTGGAGCCC[G>A]GAGTCGCCCCTGCAGGCGCCGCGCGTGCTCATCGCGCTGTTGGCGCGAAACGCGGCCCAC-3'
Protein context (NP_078932.2, residues 35-55): DAYFPEERWS[Pro45=]ESPLQAPRVL

ClinVar aggregate classification (germline): Likely benign. Review status: criteria provided, multiple submitters, no conflicts (2 of 4 stars). 3 submissions from 3 submitters: Likely benign (2). 1 of the submissions does not count toward it. Last evaluated 2026-01-08.

Conditions:
COLGALT1-related disorder. Also called: COLGALT1-related condition.

Allele frequency attached by ClinVar (database versions not stated): gnomAD exomes 0.00005; gnomAD 0.00011; TOPMed 0.00021; 1000 Genomes Project 30x 0.00062.
gnomAD v4.1: 80 of 1,357,032 alleles (0.0059%); highest among the groups gnomAD compares: East Asian, 0.21%; 2 homozygotes.

Submissions (3):

Labcorp Genetics (formerly Invitae), Labcorp
Classification: Likely benign. Last evaluated: 2026-01-08. Review status: criteria provided, single submitter. Criteria: Invitae Variant Classification Sherloc (09022015). Collection method: clinical testing. Allele origin: germline.

Blueprint Genetics
Classification: Likely benign. Last evaluated: 2023-12-11. Review status: criteria provided, single submitter. Criteria: ACMG Guidelines, 2015. Collection method: clinical testing. Allele origin: germline.

PreventionGenetics, part of Exact Sciences
Classification: Likely benign for COLGALT1-related condition. Last evaluated: 2024-01-10. Review status: no assertion criteria provided. Collection method: clinical testing. Allele origin: germline. Not counted in ClinVar's aggregate classification.
Comment: This variant is classified as likely benign based on ACMG/AMP sequence variant interpretation guidelines (Richards et al. 2015 PMID: 25741868, with internal and published modifications).